The following is an entry in ClinVar:

ClinVar aggregate classification (germline): Uncertain significance (1 of 4 stars; one submission).

Conditions:
TNNT3-related disorder. Also called: TNNT3-related condition.

gnomAD v4.1: 1 of 1,613,568 alleles (0.000062%); highest among the groups gnomAD compares: African/African-American, 0.0013%; no homozygotes.

Submission:

PreventionGenetics, part of Exact Sciences
Classification: Uncertain significance for TNNT3-related condition. Last evaluated: 2025-01-07. Review status: criteria provided, single submitter. Criteria: ACMG Guidelines, 2015. Collection method: clinical testing. Allele origin: germline.
Comment: The TNNT3 c.466A>G variant is predicted to result in the amino acid substitution p.Ser156Gly. To our knowledge, this variant has not been reported in the literature or in a large population database, indicating this variant is rare. At this time, the clinical significance of this variant is uncertain due to the absence of conclusive functional and genetic evidence.

NM_006757.4(TNNT3):c.466A>G (p.Ser156Gly)

Gene: TNNT3 (troponin T3, fast skeletal type; plus strand). Cytogenetic location: 11p15.5.
Variant type: single nucleotide variant.
Coding change: c.466A>G on transcript NM_006757.4 (MANE Select); coding-DNA position 466, A replaced by G.
Protein change: p.Ser156Gly; replaces serine 156 with glycine.
Molecular consequence: missense variant.
Genome position (GRCh38, 1-based): chr11:1,934,431, A>G. VCF-style: chr11-1934431-A-G. GRCh37 (hg19) VCF-style: chr11-1955661-A-G.
Other names: c.442A>G, p.Ser148Gly (NM_001042780.3, NM_001042782.3, NM_001297646.2 and 2 more transcripts); c.460A>G, p.Ser154Gly (NM_001042781.3, NM_001367842.1, NM_001367843.1); c.475A>G, p.Ser159Gly (NM_001363561.2, NM_001367847.1); c.499A>G, p.Ser167Gly (NM_001367846.1); c.463A>G, p.Ser155Gly (NM_001367848.1); c.454A>G, p.Ser152Gly (NM_001367849.1); c.409A>G, p.Ser137Gly (NM_001367850.1); c.262A>G, p.Ser88Gly (NM_001367851.1, NM_001367852.1); short protein forms S137G, S148G, S152G, S154G, S155G, S156G, S159G, S167G.
Identifiers: ClinVar variation 3356480 (VCV003356480.2).